The following is an entry in ClinVar:

ClinVar aggregate classification (germline): Uncertain significance (1 of 4 stars; one submission).

Conditions:
Inborn genetic diseases. Identifiers: MedGen C0950123, MeSH D030342.

Submission:

Ambry Genetics
Classification: Uncertain significance for Inborn genetic diseases. Last evaluated: 2022-01-07. Review status: criteria provided, single submitter. Criteria: Ambry Variant Classification Scheme 2023. Collection method: clinical testing. Allele origin: germline.
Comment: The p.T2279A variant (also known as c.6835A>G), located in coding exon 19 of the SETX gene, results from an A to G substitution at nucleotide position 6835. The threonine at codon 2279 is replaced by alanine, an amino acid with similar properties. This amino acid position is conserved. In addition, the in silico prediction for this alteration is inconclusive. Since supporting evidence is limited at this time, the clinical significance of this alteration remains unclear.

NM_015046.7(SETX):c.6835A>G (p.Thr2279Ala)

Gene: SETX (senataxin; minus strand). Cytogenetic location: 9q34.13.
Variant type: single nucleotide variant.
Coding change: c.6835A>G on transcript NM_015046.7 (MANE Select); coding-DNA position 6835, A replaced by G.
Protein change: p.Thr2279Ala; replaces threonine 2279 with alanine.
Molecular consequence: missense variant.
Genome position (GRCh38, 1-based): chr9:132,278,077, T>C on the plus strand (A>G on the coding strand, the complement: SETX is on the minus strand). VCF-style: chr9-132278077-T-C. GRCh37 (hg19) VCF-style: chr9-135153464-T-C.
Other names: c.6835A>G, p.Thr2279Ala (NM_001351527.2, NM_001351528.2); short protein forms T2279A.
Identifiers: ClinVar variation 1755703 (VCV001755703.2), dbSNP rs2538876632, ClinGen allele CA375330771.